The following is an entry in ClinVar:

NM_177438.3(DICER1):c.4306_4307delinsTT (p.Ala1436Phe)

Gene: DICER1 (dicer 1, ribonuclease III; minus strand). Cytogenetic location: 14q32.13.
Variant type: Indel.
Coding change: c.4306_4307delinsTT on transcript NM_177438.3 (MANE Select); coding-DNA positions 4306 to 4307, GC replaced by TT.
Protein change: p.Ala1436Phe; replaces alanine 1436 with phenylalanine.
Molecular consequence: missense variant. On other transcripts: non-coding transcript variant (6).
Genome position (GRCh38, 1-based): chr14:95,096,613-95,096,614, GC replaced by AA on the plus strand (GC replaced by TT on the coding strand, the reverse complement: DICER1 is on the minus strand). VCF-style: chr14-95096613-GC-AA. GRCh37 (hg19) VCF-style: chr14-95562950-GC-AA.
Other names: c.4306_4307delinsTT, p.Ala1436Phe (NM_001195573.1, NM_001271282.3, NM_001291628.2 and 12 more transcripts); c.4024_4025delinsTT, p.Ala1342Phe (NM_001395686.1); c.3901_3902delinsTT, p.Ala1301Phe (NM_001395687.1, NM_001395688.1, NM_001395689.1 and 2 more transcripts); c.3739_3740delinsTT, p.Ala1247Phe (NM_001395691.1); c.2623_2624delinsTT, p.Ala875Phe (NM_001395697.1); short protein forms A1247F, A1342F, A1301F, A1436F, A875F.
Identifiers: ClinVar variation 4011585 (VCV004011585.1).

ClinVar aggregate classification (germline): Uncertain significance (1 of 4 stars; one submission).

Conditions:
Hereditary cancer-predisposing syndrome. Also called: Tumor predisposition; Hereditary neoplastic syndrome; Neoplastic Syndromes, Hereditary; Hereditary Cancer Syndrome. Identifiers: Orphanet 140162, MedGen C0027672, MeSH D009386, MONDO:0015356.

Submission:

Ambry Genetics
Classification: Uncertain significance for Hereditary cancer-predisposing syndrome. Last evaluated: 2025-04-28. Review status: criteria provided, single submitter. Criteria: Ambry Variant Classification Scheme 2023. Collection method: clinical testing. Allele origin: germline.
Comment: The c.4306_4307delGCinsTT variant (also known as p.A1436F), located in coding exon 22 of the DICER1 gene, results from an in-frame deletion of GC and insertion of TT at nucleotide positions 4306 to 4307. This results in the substitution of the alanine residue for a phenylalanine residue at codon 1436, an amino acid with dissimilar properties. This amino acid position is not well conserved in available vertebrate species. Based on the available evidence, the clinical significance of this variant remains unclear.